The following is an entry in ClinVar:

ClinVar aggregate classification (germline): Pathogenic. Review status: criteria provided, multiple submitters, no conflicts (2 of 4 stars). 5 submissions from 5 submitters: Pathogenic (5). Last evaluated 2025-10-27.

Conditions:
Hereditary cancer-predisposing syndrome. Also called: Neoplastic Syndromes, Hereditary; Hereditary neoplastic syndrome; Tumor predisposition; Hereditary Cancer Syndrome. Identifiers: Orphanet 140162, MedGen C0027672, MeSH D009386, MONDO:0015356.
Familial cancer of breast. Also called: hereditary breast carcinoma; Hereditary breast cancer; BREAST CANCER, FAMILIAL. Identifiers: Orphanet 227535, MedGen C0346153, MONDO:0016419, OMIM 114480. Disease mechanism: loss of function.

Submissions (5):

Ambry Genetics
Classification: Pathogenic for Hereditary cancer-predisposing syndrome. Last evaluated: 2025-10-27. Review status: criteria provided, single submitter. Criteria: Ambry Variant Classification Scheme 2023. Collection method: clinical testing. Allele origin: germline.
Comment: The p.S640* pathogenic mutation (also known as c.1919C>G), located in coding exon 5 of the PALB2 gene, results from a C to G substitution at nucleotide position 1919. This changes the amino acid from a serine to a stop codon within coding exon 5. This variant is considered to be rare based on population cohorts in the Genome Aggregation Database (gnomAD). This alteration is expected to result in loss of function by premature protein truncation or nonsense-mediated mRNA decay. As such, this alteration is interpreted as a disease-causing mutation.

Myriad Genetics, Inc.
Classification: Pathogenic for Familial cancer of breast. Last evaluated: 2023-09-12. Review status: criteria provided, single submitter. Criteria: Myriad Autosomal Dominant, Autosomal Recessive and X-Linked Classification Criteria (2023). Collection method: clinical testing. Allele origin: unknown.
Comment: This variant is considered pathogenic. This variant creates a termination codon and is predicted to result in premature protein truncation.

Labcorp Genetics (formerly Invitae), Labcorp
Classification: Pathogenic for Familial cancer of breast. Last evaluated: 2022-11-09. Review status: criteria provided, single submitter. Criteria: Invitae Variant Classification Sherloc (09022015). Collection method: clinical testing. Allele origin: germline.
Comment: This premature translational stop signal has been observed in individual(s) with breast cancer (PMID: 25666743). ClinVar contains an entry for this variant (Variation ID: 618260). For these reasons, this variant has been classified as Pathogenic. This variant is not present in population databases (gnomAD no frequency). This sequence change creates a premature translational stop signal (p.Ser640*) in the PALB2 gene. It is expected to result in an absent or disrupted protein product. Loss-of-function variants in PALB2 are known to be pathogenic (PMID: 17200668, 17200671, 17200672, 24136930, 25099575).

Institute for Clinical Genetics, University Hospital TU Dresden, University Hospital TU Dresden
Classification: Pathogenic. Last evaluated: 2021-11-03. Review status: criteria provided, single submitter. Criteria: ACMG Guidelines, 2015. Collection method: clinical testing. Allele origin: germline.

ARUP Laboratories, Molecular Genetics and Genomics, ARUP Laboratories
Classification: Pathogenic. Last evaluated: 2018-03-09. Review status: criteria provided, single submitter. Criteria: ARUP Molecular Germline Variant Investigation Process. Collection method: clinical testing. Allele origin: germline.
Comment: The PALB2 c.1919C>G; p.Ser640Ter variant, to our knowledge, has not been reported in the medical literature or in gene-specific database. It is absent from general population databases (1000 Genomes Project, Exome Variant Server, and Genome Aggregation Database), indicating it is not a common polymorphism. This variant induces an early termination codon and is predicted to result in a truncated protein or mRNA subject to nonsense-mediated decay. Additionally, another nucleotide change at this position that results in the same premature termination codon (c.1919C>A; p.Ser640Ter) has been observed in at least one individual affected with early onset breast cancer and is considered pathogenic (Vietri 2015). Based on the above information, the c.1919C>G; p.Ser640Ter variant is considered pathogenic. References: Vietri M et al. Analysis of PALB2 in a cohort of Italian breast cancer patients: identification of a novel PALB2 truncating mutation. Fam Cancer. 2015 Sep;14(3):341-8.

Literature cited by the submitters: PubMed 25666743 (cited by Ambry Genetics and Labcorp Genetics (formerly Invitae), Labcorp); PubMed 29522266 (cited by Ambry Genetics); PubMed 17200668 (cited by Labcorp Genetics (formerly Invitae), Labcorp); PubMed 17200671 (cited by Labcorp Genetics (formerly Invitae), Labcorp); PubMed 17200672 (cited by Labcorp Genetics (formerly Invitae), Labcorp); PubMed 24136930 (cited by Labcorp Genetics (formerly Invitae), Labcorp); PubMed 25099575 (cited by Labcorp Genetics (formerly Invitae), Labcorp).

NM_024675.4(PALB2):c.1919C>G (p.Ser640Ter)

Gene: PALB2 (partner and localizer of BRCA2; minus strand). Cytogenetic location: 16p12.2.
Variant type: single nucleotide variant.
Coding change: c.1919C>G on transcript NM_024675.4 (MANE Select); coding-DNA position 1919, C replaced by G.
Protein change: p.Ser640Ter; replaces serine 640 with a stop codon.
Molecular consequence: nonsense.
Genome position (GRCh38, 1-based): chr16:23,630,235, G>C on the plus strand (C>G on the coding strand, the complement: PALB2 is on the minus strand). VCF-style: chr16-23630235-G-C. GRCh37 (hg19) VCF-style: chr16-23641556-G-C.
Other names: short protein forms S640*.
Identifiers: ClinVar variation 618260 (VCV000618260.17), dbSNP rs760094988, ClinGen allele CA395127515.